The following is an entry in ClinVar:

NM_021020.5(LZTS1):c.646G>A (p.Gly216Ser)

Gene: LZTS1 (leucine zipper tumor suppressor 1; minus strand). Cytogenetic location: 8p21.3.
Variant type: single nucleotide variant.
Coding change: c.646G>A on transcript NM_021020.5 (MANE Select); coding-DNA position 646, G replaced by A.
Protein change: p.Gly216Ser; replaces glycine 216 with serine.
Molecular consequence: missense variant.
Genome position (GRCh38, 1-based): chr8:20,253,285, C>T on the plus strand (G>A on the coding strand, the complement: LZTS1 is on the minus strand). VCF-style: chr8-20253285-C-T. GRCh37 (hg19) VCF-style: chr8-20110796-C-T.
Other names: c.646G>A, p.Gly216Ser (NM_001362884.2); short protein forms G216S.
Identifiers: ClinVar variation 2420127 (VCV002420127.6), dbSNP rs767033859, ClinGen allele CA4657474.

ClinVar aggregate classification (germline): Uncertain significance (1 of 4 stars; one submission).

Allele frequency attached by ClinVar (database versions not stated): ExAC 0.00001.
gnomAD v4.1: 19 of 1,614,074 alleles (0.0012%); highest among the groups gnomAD compares: Non-Finnish European, 0.0015%; no homozygotes.

Submission:

Labcorp Genetics (formerly Invitae), Labcorp
Classification: Uncertain significance. Last evaluated: 2025-08-09. Review status: criteria provided, single submitter. Criteria: Invitae Variant Classification Sherloc (09022015). Collection method: clinical testing. Allele origin: germline.
Comment: This sequence change replaces glycine, which is neutral and non-polar, with serine, which is neutral and polar, at codon 216 of the LZTS1 protein (p.Gly216Ser). This variant is present in population databases (rs767033859, gnomAD 0.002%). This variant has not been reported in the literature in individuals affected with LZTS1-related conditions. ClinVar contains an entry for this variant (Variation ID: 2420127). Invitae Evidence Modeling of protein sequence and biophysical properties (such as structural, functional, and spatial information, amino acid conservation, physicochemical variation, residue mobility, and thermodynamic stability) indicates that this missense variant is not expected to disrupt LZTS1 protein function with a negative predictive value of 80%. In summary, the available evidence is currently insufficient to determine the role of this variant in disease. Therefore, it has been classified as a Variant of Uncertain Significance.